The following is an entry in ClinVar:

ClinVar aggregate classification (germline): Benign/Likely benign. Review status: criteria provided, multiple submitters, no conflicts (2 of 4 stars). 9 submissions from 9 submitters: Benign (6); Likely benign (1). 2 of the submissions do not count toward it. Last evaluated 2026-02-04.

Conditions:
Primary ciliary dyskinesia 15. Also called: CILIARY DYSKINESIA, PRIMARY, 15, WITH OR WITHOUT SITUS INVERSUS. Identifiers: Orphanet 244, MedGen C3151137, MONDO:0013435, OMIM 613808.
Primary ciliary dyskinesia. Also called: Ciliary dyskinesia. Identifiers: Orphanet 244, MedGen C0008780, MONDO:0016575, HP:0012265.

Allele frequency attached by ClinVar (database versions not stated): ESP Exome Variant Server 0.15948; gnomAD 0.19106 and 0.19525; TOPMed 0.19351; 1000 Genomes Project 30x 0.20565; 1000 Genomes Project 0.21166; ExAC 0.23268; gnomAD exomes 0.24179 and 0.24203.

Submissions (9):

Labcorp Genetics (formerly Invitae), Labcorp
Classification: Benign for Primary ciliary dyskinesia. Last evaluated: 2026-02-04. Review status: criteria provided, single submitter. Criteria: Invitae Variant Classification Sherloc (09022015). Collection method: clinical testing. Allele origin: germline.

Blueprint Genetics
Classification: Likely benign. Last evaluated: 2024-11-27. Review status: criteria provided, single submitter. Criteria: ACMG Guidelines, 2015. Collection method: clinical testing. Allele origin: germline.

GeneDx
Classification: Benign. Last evaluated: 2018-07-09. Review status: criteria provided, single submitter. Criteria: GeneDx Variant Classification Process June 2021. Collection method: clinical testing. Allele origin: germline. Affected: yes.

Illumina Laboratory Services, Illumina
Classification: Benign for Primary ciliary dyskinesia 15. Last evaluated: 2018-01-12. Review status: criteria provided, single submitter. Criteria: ICSL Variant Classification Criteria 13 December 2019. Collection method: clinical testing. Allele origin: germline.
Comment: This variant was observed in the ICSL laboratory as part of a predisposition screen in an ostensibly healthy population. It had not been previously curated by ICSL or reported in the Human Gene Mutation Database (HGMD: prior to June 1st, 2018), and was therefore a candidate for classification through an automated scoring system. Utilizing variant allele frequency, disease prevalence and penetrance estimates, and inheritance mode, an automated score was calculated to assess if this variant is too frequent to cause the disease. Based on the score and internal cut-off values, a variant classified as benign is not then subjected to further curation. The score for this variant resulted in a classification of benign for this disease.

Laboratory for Molecular Medicine, Mass General Brigham Personalized Medicine
Classification: Benign. Last evaluated: 2013-02-21. Review status: criteria provided, single submitter. Criteria: LMM Criteria. Collection method: clinical testing. Allele origin: germline. Observed: 49 variant alleles.
Comment: 1159+12C>T in intron 7 of CCDC40: This variant is not expected to have clinical significance because it is not located within the conserved splice consensus seq uence. It has been identified in 21.4% (1740/8114) of European American chromoso mes from a broad population by the NHLBI Exome Sequencing Project (.; dbSNP rs2289533).

Breakthrough Genomics
Classification: Benign. Review status: criteria provided, single submitter. Criteria: ACMG Guidelines, 2015. Collection method: not provided. Allele origin: germline. Inheritance: Autosomal recessive inheritance. Affected: yes.

PreventionGenetics, part of Exact Sciences
Classification: Benign. Review status: criteria provided, single submitter. Criteria: ACMG Guidelines, 2015. Collection method: clinical testing. Allele origin: germline.

Clinical Genetics DNA and cytogenetics Diagnostics Lab, Erasmus MC, Erasmus Medical Center
Classification: Benign. Review status: no assertion criteria provided. Collection method: clinical testing. Allele origin: germline. Affected: yes. Study: VKGL Data-share Consensus. Not counted in ClinVar's aggregate classification.

Diagnostic Laboratory, Department of Genetics, University Medical Center Groningen
Classification: Benign for Primary ciliary dyskinesia 15. Review status: no assertion criteria provided. Collection method: clinical testing. Allele origin: germline. Affected: yes. Study: VKGL Data-share Consensus. Not counted in ClinVar's aggregate classification.

NM_017950.4(CCDC40):c.1159+12C>T

Gene: CCDC40 (coiled-coil domain 40 molecular ruler complex subunit; plus strand). Cytogenetic location: 17q25.3.
Variant type: single nucleotide variant.
Coding change: c.1159+12C>T on transcript NM_017950.4 (MANE Select); 12 bases into the intron after coding-DNA position 1159, C replaced by T.
Molecular consequence: intron variant.
Genome position (GRCh38, 1-based): chr17:80,050,295, C>T. VCF-style: chr17-80050295-C-T. GRCh37 (hg19) VCF-style: chr17-78024094-C-T.
Other names: c.1159+12C>T (NM_001243342.2, NM_001330508.2).
Identifiers: ClinVar variation 162847 (VCV000162847.22), dbSNP rs2289533, ClinGen allele CA175428.